The following is an entry in ClinVar:

NM_019032.6(ADAMTSL4):c.141G>A (p.Trp47Ter)

Genes: ADAMTSL4 (ADAMTS like 4; plus strand), ADAMTSL4-AS2 (ADAMTSL4 antisense RNA 2; minus strand). Cytogenetic location: 1q21.2.
Variant type: single nucleotide variant.
Coding change: c.141G>A on transcript NM_019032.6 (MANE Select); coding-DNA position 141, G replaced by A.
Protein change: p.Trp47Ter; replaces tryptophan 47 with a stop codon.
Molecular consequence: nonsense.
Genome position (GRCh38, 1-based): chr1:150,552,960, G>A. VCF-style: chr1-150552960-G-A. GRCh37 (hg19) VCF-style: chr1-150525436-G-A.
Other names: c.141G>A, p.Trp47Ter (NM_001288607.2, NM_001288608.2, NM_001378596.1 and 1 more transcripts); short protein forms W47*.
Identifiers: ClinVar variation 2033481 (VCV002033481.4), dbSNP rs768099905, ClinGen allele CA1077882.

ClinVar aggregate classification (germline): Pathogenic (1 of 4 stars; one submission).

Allele frequency attached by ClinVar (database versions not stated): ExAC 0.00001.
gnomAD v4.1: 2 of 1,613,126 alleles (0.00012%); highest among the groups gnomAD compares: South Asian, 0.0022%; no homozygotes.

Submission:

Labcorp Genetics (formerly Invitae), Labcorp
Classification: Pathogenic. Last evaluated: 2022-09-30. Review status: criteria provided, single submitter. Criteria: Invitae Variant Classification Sherloc (09022015). Collection method: clinical testing. Allele origin: germline.
Comment: For these reasons, this variant has been classified as Pathogenic. This variant has not been reported in the literature in individuals affected with ADAMTSL4-related conditions. This variant is present in population databases (rs768099905, gnomAD 0.003%). This sequence change creates a premature translational stop signal (p.Trp47*) in the ADAMTSL4 gene. It is expected to result in an absent or disrupted protein product. Loss-of-function variants in ADAMTSL4 are known to be pathogenic (PMID: 20564469, 28642162).

Literature cited by the submitters: PubMed 20564469; PubMed 28642162.